The following is an entry in ClinVar:

NM_005461.5(MAFB):c.337G>C (p.Gly113Arg)

Gene: MAFB (MAF bZIP transcription factor B; minus strand). Cytogenetic location: 20q12.
Variant type: single nucleotide variant.
Coding change: c.337G>C on transcript NM_005461.5 (MANE Select); coding-DNA position 337, G replaced by C.
Protein change: p.Gly113Arg; replaces glycine 113 with arginine.
Molecular consequence: missense variant.
Genome position (GRCh38, 1-based): chr20:40,688,514, C>G on the plus strand (G>C on the coding strand, the complement: MAFB is on the minus strand). VCF-style: chr20-40688514-C-G. GRCh37 (hg19) VCF-style: chr20-39317154-C-G.
Other names: short protein forms G113R.
Identifiers: ClinVar variation 3031711 (VCV003031711.2), dbSNP rs769500671, ClinGen allele CA408941375.

ClinVar aggregate classification (germline): Uncertain significance (0 of 4 stars; one submission).

Conditions:
MAFB-related disorder. Also called: MAFB-related condition.

Submission:

PreventionGenetics, part of Exact Sciences
Classification: Uncertain significance for MAFB-related condition. Last evaluated: 2023-10-20. Review status: no assertion criteria provided. Collection method: clinical testing. Allele origin: germline.
Comment: The MAFB c.337G>C variant is predicted to result in the amino acid substitution p.Gly113Arg. To our knowledge, this variant has not been reported in the literature or in a large population database, indicating this variant is rare. At this time, the clinical significance of this variant is uncertain due to the absence of conclusive functional and genetic evidence.